The following is an entry in ClinVar:

NM_007294.4(BRCA1):c.676T>C (p.Cys226Arg)

Gene: BRCA1 (BRCA1 DNA repair associated; minus strand). Cytogenetic location: 17q21.31.
Variant type: single nucleotide variant.
Coding change: c.676T>C on transcript NM_007294.4 (MANE Select); coding-DNA position 676, T replaced by C.
Protein change: p.Cys226Arg; replaces cysteine 226 with arginine.
Molecular consequence: missense variant. On other transcripts: 5 prime UTR variant (2), intron variant (13).
Genome position (GRCh38, 1-based): chr17:43,094,855, A>G on the plus strand (T>C on the coding strand, the complement: BRCA1 is on the minus strand). VCF-style: chr17-43094855-A-G. GRCh37 (hg19) VCF-style: chr17-41246872-A-G.
Other names: c.673T>C, p.Cys225Arg (NM_001407611.1, NM_001407612.1, NM_001407613.1 and 38 more transcripts); c.676T>C, p.Cys226Arg (NM_001407616.1, NM_001407617.1, NM_001407618.1 and 53 more transcripts); c.463T>C, p.Cys155Arg (NM_001407571.1, NM_001407915.1, NM_001407916.1 and 12 more transcripts); c.667T>C, p.Cys223Arg (NM_001407646.1, NM_001407647.1, NM_001408408.1); c.553T>C, p.Cys185Arg (NM_001407648.1, NM_001407664.1, NM_001407665.1 and 34 more transcripts); c.550T>C, p.Cys184Arg (NM_001407649.1, NM_001407670.1, NM_001407671.1 and 20 more transcripts); c.598T>C, p.Cys200Arg (NM_001407653.1, NM_001407654.1, NM_001407655.1 and 9 more transcripts); c.595T>C, p.Cys199Arg (NM_001407659.1, NM_001407660.1, NM_001407661.1 and 3 more transcripts); and 20 more; short protein forms C114R, C115R, C137R, C138R, C155R, C156R, C158R, C159R.
Identifiers: ClinVar variation 4756970 (VCV004756970.1).
Genomic context (GRCh38, chr17:43,094,855, plus strand): 5'-AATCATTATTACTGGGTTGATGATGTTCAGTATTTGTTACATCCGTCTCAGAAAATTCAC[A>G]AGCAGCTGAAAATATACAAAAATAACAAGGTACTCAAAAACTGAATTGTCATTAAAAAAA-3'
Protein context (NP_009225.1, residues 216-236): ISLDSAKKAA[Cys226Arg]EFSETDVTNT

ClinVar aggregate classification (germline): Uncertain significance (1 of 4 stars; one submission).

Conditions:
Hereditary cancer-predisposing syndrome. Also called: Tumor predisposition; Hereditary Cancer Syndrome; Neoplastic Syndromes, Hereditary; Hereditary neoplastic syndrome. Identifiers: Orphanet 140162, MedGen C0027672, MeSH D009386, MONDO:0015356.

Submission:

Color Diagnostics, LLC DBA Color Health
Classification: Uncertain significance for Hereditary cancer-predisposing syndrome. Last evaluated: 2025-06-24. Review status: criteria provided, single submitter. Criteria: ACMG Guidelines, 2015. Collection method: clinical testing. Allele origin: germline.
Comment: This missense variant replaces cysteine with arginine at codon 226 of the BRCA1 protein. Computational prediction is inconclusive regarding the impact of this variant on protein structure and function. To our knowledge, functional studies have not been reported for this variant. This variant has not been reported in individuals affected with BRCA1-related disorders in the literature. This variant has not been identified in the general population by the Genome Aggregation Database (gnomAD). The available evidence is insufficient to determine the role of this variant in disease conclusively. Therefore, this variant is classified as a Variant of Uncertain Significance.